The following is an entry in ClinVar:

NM_001385012.1(NBEA):c.6514_6515del (p.Ser2172fs)

Gene: NBEA (neurobeachin; plus strand). Cytogenetic location: 13q13.3.
Variant type: Microsatellite.
Coding change: c.6514_6515del on transcript NM_001385012.1 (MANE Select); coding-DNA positions 6514 to 6515, 2 bases deleted (TC; older notation c.6514_6515delTC).
Protein change: p.Ser2172fs; shifts the reading frame from serine 2172.
Molecular consequence: frameshift variant.
Genome position (GRCh38, 1-based): chr13:35,472,465-35,472,466, TC deleted; deleting any 2 consecutive bases within chr13:35,472,460-35,472,466 gives the same sequence; the c. name uses the placement nearest the transcript's 3' end. VCF-style (leftmost placement, unchanged base first): chr13-35472459-ACT-A. GRCh37 (hg19) VCF-style: chr13-36046596-ACT-A.
Other names: c.6505_6506del, p.Ser2169fs (NM_001379245.1); c.6514_6515del, p.Ser2172fs (NM_015678.5); short protein forms S2169fs, S2172fs.
Identifiers: ClinVar variation 4855047 (VCV004855047.1).

ClinVar aggregate classification (germline): Likely pathogenic (1 of 4 stars; one submission).

Conditions:
Neurodevelopmental disorder with or without early-onset generalized epilepsy. Identifiers: MedGen C5436914, MONDO:0030930, OMIM 619157.

Submission:

3billion
Classification: Likely pathogenic for Neurodevelopmental disorder with or without early-onset generalized epilepsy. Last evaluated: 2026-01-15. Review status: criteria provided, single submitter. Criteria: ACMG Guidelines, 2015. Collection method: clinical testing. Allele origin: germline. Affected: yes.
Comment: The variant is not observed in the gnomAD v4.1.0 dataset. Predicted Consequence/Location: Frameshift: predicted to result in a loss or disruption of normal protein function through nonsense-mediated decay (NMD) or protein truncation. Multiple pathogenic variants are reported downstream of the variant. Therefore, this variant is classified as Likely pathogenic according to the recommendation of ACMG/AMP guideline.